The following is an entry in ClinVar:

NM_001197104.2(KMT2A):c.9890T>C (p.Met3297Thr)

Gene: KMT2A (lysine methyltransferase 2A; plus strand). Cytogenetic location: 11q23.3.
Variant type: single nucleotide variant.
Coding change: c.9890T>C on transcript NM_001197104.2 (MANE Select); coding-DNA position 9890, T replaced by C.
Protein change: p.Met3297Thr; replaces methionine 3297 with threonine.
Molecular consequence: missense variant.
Genome position (GRCh38, 1-based): chr11:118,505,782, T>C. VCF-style: chr11-118505782-T-C. GRCh37 (hg19) VCF-style: chr11-118376497-T-C.
Other names: c.9980T>C, p.Met3327Thr (NM_001412597.1); c.9881T>C, p.Met3294Thr (NM_005933.4); short protein forms M3294T, M3297T, M3327T.
Identifiers: ClinVar variation 1970090 (VCV001970090.6), dbSNP rs1950570650, ClinGen allele CA382822132.

ClinVar aggregate classification (germline): Uncertain significance. Review status: criteria provided, multiple submitters, no conflicts (2 of 4 stars). 2 submissions from 2 submitters: Uncertain significance (2). Last evaluated 2023-02-16.

Allele frequency attached by ClinVar (database versions not stated): gnomAD 0.00001; gnomAD exomes 0.00001; TOPMed 0.00001.
gnomAD v4.1: 13 of 1,614,034 alleles (0.00081%); highest among the groups gnomAD compares: East Asian, 0.02%; no homozygotes.

Submissions (2):

GeneDx
Classification: Uncertain significance. Last evaluated: 2023-02-16. Review status: criteria provided, single submitter. Criteria: GeneDx Variant Classification Process June 2021. Collection method: clinical testing. Allele origin: germline. Affected: yes.
Comment: Not observed at significant frequency in large population cohorts (gnomAD); In silico analysis supports that this missense variant does not alter protein structure/function; Has not been previously published as pathogenic or benign to our knowledge

Labcorp Genetics (formerly Invitae), Labcorp
Classification: Uncertain significance. Last evaluated: 2022-01-11. Review status: criteria provided, single submitter. Criteria: Invitae Variant Classification Sherloc (09022015). Collection method: clinical testing. Allele origin: germline.
Comment: This sequence change replaces methionine, which is neutral and non-polar, with threonine, which is neutral and polar, at codon 3297 of the KMT2A protein (p.Met3297Thr). In summary, the available evidence is currently insufficient to determine the role of this variant in disease. Therefore, it has been classified as a Variant of Uncertain Significance. Algorithms developed to predict the effect of missense changes on protein structure and function are either unavailable or do not agree on the potential impact of this missense change (SIFT: "Deleterious"; PolyPhen-2: "Probably Damaging"; Align-GVGD: "Class C0"). This variant has not been reported in the literature in individuals affected with KMT2A-related conditions. This variant is not present in population databases (gnomAD no frequency).